The following is an entry in ClinVar:

ClinVar aggregate classification (germline): Likely benign. Review status: criteria provided, multiple submitters, no conflicts (2 of 4 stars). 3 submissions from 3 submitters: Likely benign (2). 1 of the submissions does not count toward it. Last evaluated 2025-09-02.

Conditions:
TUB-related disorder. Also called: TUB-related condition.

Allele frequency attached by ClinVar (database versions not stated): ExAC 0.00002.
gnomAD v4.1: 16 of 1,613,156 alleles (0.00099%); highest among the groups gnomAD compares: Admixed American, 0.025%; no homozygotes.

Submissions (3):

Labcorp Genetics (formerly Invitae), Labcorp
Classification: Likely benign. Last evaluated: 2025-09-02. Review status: criteria provided, single submitter. Criteria: Invitae Variant Classification Sherloc (09022015). Collection method: clinical testing. Allele origin: germline.

Blueprint Genetics
Classification: Likely benign. Last evaluated: 2020-04-27. Review status: criteria provided, single submitter. Criteria: ACMG Guidelines, 2015. Collection method: clinical testing. Allele origin: germline.

PreventionGenetics, part of Exact Sciences
Classification: Likely benign for TUB-related condition. Last evaluated: 2022-01-22. Review status: no assertion criteria provided. Collection method: clinical testing. Allele origin: germline. Not counted in ClinVar's aggregate classification.
Comment: This variant is classified as likely benign based on ACMG/AMP sequence variant interpretation guidelines (Richards et al. 2015 PMID: 25741868, with internal and published modifications).

NM_177972.3(TUB):c.990G>A (p.Gly330=)

Genes: RIC3 (RIC3 acetylcholine receptor chaperone; minus strand), TUB (TUB bipartite transcription factor; plus strand). Cytogenetic location: 11p15.4.
Variant type: single nucleotide variant.
Coding change: c.990G>A on transcript NM_177972.3 (MANE Select); coding-DNA position 990, G replaced by A.
Protein change: p.Gly330=; no amino-acid change (glycine 330 retained).
Molecular consequence: synonymous variant.
Genome position (GRCh38, 1-based): chr11:8,097,818, G>A. VCF-style: chr11-8097818-G-A. GRCh37 (hg19) VCF-style: chr11-8119365-G-A.
Other names: c.1155G>A, p.Gly385= (NM_003320.5); c.1155G>A (NM_003320.4).
Identifiers: ClinVar variation 1118743 (VCV001118743.12), dbSNP rs751516278, ClinGen allele CA5871287.
Genomic context (GRCh38, chr11:8,097,818, plus strand): 5'-CAATTACCTCATCTCTGTGGACCCAACAGACTTGTCTCGAGGAGGGGACAGCTATATCGG[G>A]AAACTGCGGTACTAGCATTCCCCCAGGAAGCAGGCGGGAGTGGGAGGGAGGGGCAGGGGC-3'
Protein context (NP_813977.1, residues 320-340): DLSRGGDSYI[Gly330=]KLRSNLMGTK